The following is an entry in ClinVar:

NM_001377540.1(SLMAP):c.1723G>A (p.Asp575Asn)

Gene: SLMAP (sarcolemma associated protein; plus strand). Cytogenetic location: 3p14.3.
Variant type: single nucleotide variant.
Coding change: c.1723G>A on transcript NM_001377540.1 (MANE Select); coding-DNA position 1723, G replaced by A.
Protein change: p.Asp575Asn; replaces aspartic acid 575 with asparagine.
Molecular consequence: missense variant. On other transcripts: non-coding transcript variant (1).
Genome position (GRCh38, 1-based): chr3:57,912,404, G>A. VCF-style: chr3-57912404-G-A. GRCh37 (hg19) VCF-style: chr3-57898131-G-A.
Other names: c.1672G>A, p.Asp558Asn (NM_001304420.3, NM_001377541.1, NM_001377542.1); c.1558G>A, p.Asp520Asn (NM_001304421.2, NM_001377557.1, NM_001377559.1); c.274G>A, p.Asp92Asn (NM_001304422.3, NM_001311178.2); c.76G>A, p.Asp26Asn (NM_001304423.3); c.1600G>A, p.Asp534Asn (NM_001377555.1); c.1549G>A, p.Asp517Asn (NM_001377562.1, NM_001377921.1); c.1537G>A, p.Asp513Asn (NM_001377922.1); c.1498G>A, p.Asp500Asn (NM_001377923.1); and 8 more; short protein forms D496N, D517N, D534N, D500N, D520N, D554N, D558N, D575N.
Identifiers: ClinVar variation 2067122 (VCV002067122.4), dbSNP rs755931186, ClinGen allele CA2467230.

ClinVar aggregate classification (germline): Uncertain significance (1 of 4 stars; one submission).

Conditions:
Brugada syndrome. Also called: Sudden unexpected nocturnal death syndrome; Sudden unexplained nocturnal death syndrome; Sudden Unexplained Death Syndrome; Sudden Unexplained Nocturnal Death Syndrome (SUNDS). Identifiers: Orphanet 130, MedGen C1142166, MONDO:0015263.

Allele frequency attached by ClinVar (database versions not stated): TOPMed below 0.00001; ExAC 0.00002.
gnomAD v4.1: 7 of 1,612,810 alleles (0.00043%); highest among the groups gnomAD compares: East Asian, 0.0022%; no homozygotes.

Submission:

Labcorp Genetics (formerly Invitae), Labcorp
Classification: Uncertain significance for Brugada syndrome. Last evaluated: 2022-09-17. Review status: criteria provided, single submitter. Criteria: Invitae Variant Classification Sherloc (09022015). Collection method: clinical testing. Allele origin: germline.
Comment: This sequence change replaces aspartic acid, which is acidic and polar, with asparagine, which is neutral and polar, at codon 541 of the SLMAP protein (p.Asp541Asn). This variant is present in population databases (rs755931186, gnomAD 0.006%). This variant has not been reported in the literature in individuals affected with SLMAP-related conditions. In summary, the available evidence is currently insufficient to determine the role of this variant in disease. Therefore, it has been classified as a Variant of Uncertain Significance. Algorithms developed to predict the effect of missense changes on protein structure and function output the following: SIFT: "Tolerated"; PolyPhen-2: "Benign"; Align-GVGD: "Class C0". The asparagine amino acid residue is found in multiple mammalian species, which suggests that this missense change does not adversely affect protein function.